The following is an entry in ClinVar:

NM_173648.4(CCDC141):c.187C>T (p.Leu63Phe)

Gene: CCDC141 (coiled-coil domain containing 141; minus strand). Cytogenetic location: 2q31.2.
Variant type: single nucleotide variant.
Coding change: c.187C>T on transcript NM_173648.4 (MANE Select); coding-DNA position 187, C replaced by T.
Protein change: p.Leu63Phe; replaces leucine 63 with phenylalanine.
Molecular consequence: missense variant.
Genome position (GRCh38, 1-based): chr2:179,047,322, G>A on the plus strand (C>T on the coding strand, the complement: CCDC141 is on the minus strand). VCF-style: chr2-179047322-G-A. GRCh37 (hg19) VCF-style: chr2-179912049-G-A.
Other names: c.187C>T, p.Leu63Phe (NM_001316745.2); short protein forms L63F.
Identifiers: ClinVar variation 1027867 (VCV001027867.1), dbSNP rs2043530237, ClinGen allele CA349444492.

ClinVar aggregate classification (germline): Uncertain significance (1 of 4 stars; one submission).

Conditions:
Hypogonadotropic hypogonadism 7 with or without anosmia (HH7). Also called: GNRHR-Related GnRH Deficiency; HYPOGONADOTROPIC HYPOGONADISM 7 WITHOUT ANOSMIA. Identifiers: Orphanet 432, MedGen C0342384, MONDO:0007794, OMIM 146110.

gnomAD v4.1: 2 of 1,543,790 alleles (0.00013%); highest among the groups gnomAD compares: Middle Eastern, 0.017%; no homozygotes.

Submission:

Baylor Genetics
Classification: Uncertain significance for Hypogonadotropic hypogonadism 7 with or without anosmia. Last evaluated: 2019-12-09. Review status: criteria provided, single submitter. Criteria: ACMG Guidelines, 2015. Collection method: clinical testing. Allele origin: unknown. Affected: yes.
Comment: This variant was determined to be of uncertain significance according to ACMG Guidelines, 2015 [PMID:25741868].